The following is an entry in ClinVar:

ClinVar aggregate classification (germline): Benign. Review status: criteria provided, single submitter (1 of 4 stars). 2 submissions from 2 submitters: Benign (1). 1 of the submissions does not count toward it. Last evaluated 2026-01-12.

Conditions:
PLAA-related disorder. Also called: PLAA-related condition.

Allele frequency attached by ClinVar (database versions not stated): gnomAD exomes 0.00171 and 0.00088; ExAC 0.00208; 1000 Genomes Project 30x 0.00234; 1000 Genomes Project 0.00260; gnomAD 0.00006 and 0.00049; ESP Exome Variant Server 0.00008; TOPMed 0.00014.
gnomAD v4.1: 1,361 of 1,614,188 alleles (0.084%); highest among the groups gnomAD compares: South Asian, 1.4%; 24 homozygotes.

Submissions (2):

Labcorp Genetics (formerly Invitae), Labcorp
Classification: Benign. Last evaluated: 2026-01-12. Review status: criteria provided, single submitter. Criteria: Invitae Variant Classification Sherloc (09022015). Collection method: clinical testing. Allele origin: germline.

PreventionGenetics, part of Exact Sciences
Classification: Benign for PLAA-related condition. Last evaluated: 2019-02-18. Review status: no assertion criteria provided. Collection method: clinical testing. Allele origin: germline. Not counted in ClinVar's aggregate classification.
Comment: This variant is classified as benign based on ACMG/AMP sequence variant interpretation guidelines (Richards et al. 2015 PMID: 25741868, with internal and published modifications).

NM_001031689.3(PLAA):c.2019A>G (p.Gln673=)

Gene: PLAA (phospholipase A2 activating protein; minus strand). Cytogenetic location: 9p21.2.
Variant type: single nucleotide variant.
Coding change: c.2019A>G on transcript NM_001031689.3 (MANE Select); coding-DNA position 2019, A replaced by G.
Protein change: p.Gln673=; no amino-acid change (glutamine 673 retained).
Molecular consequence: synonymous variant.
Genome position (GRCh38, 1-based): chr9:26,905,880, T>C on the plus strand (A>G on the coding strand, the complement: PLAA is on the minus strand). VCF-style: chr9-26905880-T-C. GRCh37 (hg19) VCF-style: chr9-26905878-T-C.
Other names: c.2019A>G (NM_001031689.2); c.1950A>G, p.Gln650= (NM_001321546.2).
Identifiers: ClinVar variation 1596086 (VCV001596086.10), dbSNP rs200816744, ClinGen allele CA5014185.
Genomic context (GRCh38, chr9:26,905,880, plus strand): 5'-CCCTGATTTCAGTTCTATTGCATGGGACATCAGTGATTCCCTCTGGGACATCATGAGTTT[T>C]TGTCCTGCCTGGCCAACAAAACAATTGCAAAAAGTCCTGAGAGCAAGCAGCTGGTTTGCT-3'
Protein context (NP_001026859.1, residues 663-683): FCNCFVGQAG[Gln673=]KLMMSQRESL